The following is an entry in ClinVar:

NM_001854.4(COL11A1):c.3276+5G>T

Gene: COL11A1 (collagen type XI alpha 1 chain; minus strand). Cytogenetic location: 1p21.1.
Variant type: single nucleotide variant.
Coding change: c.3276+5G>T on transcript NM_001854.4 (MANE Select); 5 bases into the intron after coding-DNA position 3276, G replaced by T.
Molecular consequence: intron variant.
Genome position (GRCh38, 1-based): chr1:102,946,844, C>A on the plus strand (G>T on the coding strand, the complement: COL11A1 is on the minus strand). VCF-style: chr1-102946844-C-A. GRCh37 (hg19) VCF-style: chr1-103412400-C-A.
Other names: c.3159+5G>T (NM_001190709.2); c.3312+5G>T (NM_080629.3); c.2928+5G>T (NM_080630.4).
Identifiers: ClinVar variation 4720349 (VCV004720349.1).

ClinVar aggregate classification (germline): Uncertain significance (1 of 4 stars; one submission).

Submission:

Labcorp Genetics (formerly Invitae), Labcorp
Classification: Uncertain significance. Last evaluated: 2025-05-27. Review status: criteria provided, single submitter. Criteria: Invitae Variant Classification Sherloc (09022015). Collection method: clinical testing. Allele origin: germline.
Comment: This sequence change falls in intron 42 of the COL11A1 gene. It does not directly change the encoded amino acid sequence of the COL11A1 protein. It affects a nucleotide within the consensus splice site. This variant is not present in population databases (gnomAD no frequency). This variant has not been reported in the literature in individuals affected with COL11A1-related conditions. Variants that disrupt the consensus splice site are a relatively common cause of aberrant splicing (PMID: 17576681, 9536098). Algorithms developed to predict the effect of sequence changes on RNA splicing suggest that this variant may disrupt the consensus splice site. In summary, the available evidence is currently insufficient to determine the role of this variant in disease. Therefore, it has been classified as a Variant of Uncertain Significance.

Literature cited by the submitters: PubMed 17576681; PubMed 9536098.